The following is an entry in ClinVar:

NM_024753.5(TTC21B):c.3465G>C (p.Glu1155Asp)

Gene: TTC21B (tetratricopeptide repeat domain 21B; minus strand). Cytogenetic location: 2q24.3.
Variant type: single nucleotide variant.
Coding change: c.3465G>C on transcript NM_024753.5 (MANE Select); coding-DNA position 3465, G replaced by C.
Protein change: p.Glu1155Asp; replaces glutamic acid 1155 with aspartic acid.
Molecular consequence: missense variant.
Genome position (GRCh38, 1-based): chr2:165,884,013, C>G on the plus strand (G>C on the coding strand, the complement: TTC21B is on the minus strand). VCF-style: chr2-165884013-C-G. GRCh37 (hg19) VCF-style: chr2-166740523-C-G.
Other names: short protein forms E1155D.
Identifiers: ClinVar variation 4979566 (VCV004979566.1).

ClinVar aggregate classification (germline): Uncertain significance (1 of 4 stars; one submission).

Conditions:
TTC21B-related disorder. Also called: TTC21B-related condition; TTC21B-related disorders.

gnomAD v4.1: 8 of 1,613,760 alleles (0.0005%); highest among the groups gnomAD compares: African/African-American, 0.0067%; no homozygotes.

Submission:

PreventionGenetics, part of Exact Sciences
Classification: Uncertain significance for TTC21B-related condition. Last evaluated: 2026-02-17. Review status: criteria provided, single submitter. Criteria: ACMG Guidelines, 2015. Collection method: clinical testing. Allele origin: germline.
Comment: The TTC21B c.3465G>C variant is predicted to result in the amino acid substitution p.Glu1155Asp. To our knowledge, this variant has not been reported in the literature. This variant is reported in 0.011% of alleles in individuals of African descent in gnomAD. At this time, the clinical significance of this variant is uncertain due to the absence of conclusive functional and genetic evidence.